The following is an entry in ClinVar:

ClinVar aggregate classification (germline): Uncertain significance. Review status: criteria provided, multiple submitters, no conflicts (2 of 4 stars). 4 submissions from 4 submitters: Uncertain significance (4). Last evaluated 2026-01-12.

Conditions:
Cardiovascular phenotype. Identifiers: MedGen CN230736.
Brugada syndrome. Also called: Sudden Unexplained Death Syndrome; Sudden Unexplained Nocturnal Death Syndrome (SUNDS); Sudden unexplained nocturnal death syndrome; Sudden unexpected nocturnal death syndrome. Identifiers: Orphanet 130, MedGen C1142166, MONDO:0015263.

Allele frequency attached by ClinVar (database versions not stated): ExAC 0.00003; gnomAD exomes 0.00003 and 0.00008; gnomAD 0.00004 and 0.00005; TOPMed 0.00007; ESP Exome Variant Server 0.00008.
gnomAD v4.1: 118 of 1,613,970 alleles (0.0073%); highest among the groups gnomAD compares: Non-Finnish European, 0.0088%; 1 homozygote.

Submissions (4):

Women's Health and Genetics/Laboratory Corporation of America, LabCorp
Classification: Uncertain significance. Last evaluated: 2026-01-12. Review status: criteria provided, single submitter. Criteria: LabCorp Variant Classification Summary - May 2015. Collection method: clinical testing. Allele origin: germline.
Comment: Variant summary: SCN10A c.5294C>T (p.Ser1765Leu) results in a non-conservative amino acid change in the encoded protein sequence. Algorithms developed to predict the effect of missense changes on protein structure and function all suggest that this variant is likely to be disruptive. The variant allele was found at a frequency of 3.2e-05 in 251150 control chromosomes. The available data on variant occurrences in the general population are insufficient to allow any conclusion about variant significance. c.5294C>T has been observed in individual(s) with autism (example: Fu_2022, Zhou_2022). These report(s) do not provide unequivocal conclusions about association of the variant with Arrhythmia. To our knowledge, no experimental evidence demonstrating an impact on protein function has been reported. The following publications have been ascertained in the context of this evaluation (PMID: 35982160, 35982159). ClinVar contains an entry for this variant (Variation ID: 577180). Based on the evidence outlined above, the variant was classified as uncertain significance.

Labcorp Genetics (formerly Invitae), Labcorp
Classification: Uncertain significance for Brugada syndrome. Last evaluated: 2025-10-08. Review status: criteria provided, single submitter. Criteria: Invitae Variant Classification Sherloc (09022015). Collection method: clinical testing. Allele origin: germline.
Comment: This sequence change replaces serine, which is neutral and polar, with leucine, which is neutral and non-polar, at codon 1765 of the SCN10A protein (p.Ser1765Leu). This variant is present in population databases (rs369137515, gnomAD 0.006%). This missense change has been observed in individual(s) with autism (PMID: 35982159, 35982160). ClinVar contains an entry for this variant (Variation ID: 577180). Invitae Evidence Modeling of protein sequence and biophysical properties (such as structural, functional, and spatial information, amino acid conservation, physicochemical variation, residue mobility, and thermodynamic stability) indicates that this missense variant is expected to disrupt SCN10A protein function with a positive predictive value of 80%. In summary, the available evidence is currently insufficient to determine the role of this variant in disease. Therefore, it has been classified as a Variant of Uncertain Significance.

Ambry Genetics
Classification: Uncertain significance for Cardiovascular phenotype. Last evaluated: 2025-04-20. Review status: criteria provided, single submitter. Criteria: Ambry Variant Classification Scheme 2023. Collection method: clinical testing. Allele origin: germline.
Comment: Does not currently meet published gene-disease clinical validity criteria Based on insufficient or conflicting evidence, the clinical significance of this alteration remains unclear.

CeGaT Center for Human Genetics Tuebingen
Classification: Uncertain significance. Last evaluated: 2022-02-01. Review status: criteria provided, single submitter. Criteria: CeGaT Center For Human Genetics Tuebingen Variant Classification Criteria Version 2. Collection method: clinical testing. Allele origin: germline. Affected: yes. Observed: 1 variant allele.

Literature cited by the submitters: PubMed 35982160 (cited by Women's Health and Genetics/Laboratory Corporation of America, LabCorp and Labcorp Genetics (formerly Invitae), Labcorp); PubMed 35982159 (cited by Women's Health and Genetics/Laboratory Corporation of America, LabCorp and Labcorp Genetics (formerly Invitae), Labcorp); PubMed 28106320 (cited by Ambry Genetics).

NM_006514.4(SCN10A):c.5294C>T (p.Ser1765Leu)

Gene: SCN10A (sodium voltage-gated channel alpha subunit 10; minus strand). Cytogenetic location: 3p22.2.
Variant type: single nucleotide variant.
Coding change: c.5294C>T on transcript NM_006514.4 (MANE Select); coding-DNA position 5294, C replaced by T.
Protein change: p.Ser1765Leu; replaces serine 1765 with leucine.
Molecular consequence: missense variant.
Genome position (GRCh38, 1-based): chr3:38,697,926, G>A on the plus strand (C>T on the coding strand, the complement: SCN10A is on the minus strand). VCF-style: chr3-38697926-G-A. GRCh37 (hg19) VCF-style: chr3-38739417-G-A.
Other names: c.5291C>T, p.Ser1764Leu (NM_001293306.2); c.5000C>T, p.Ser1667Leu (NM_001293307.2); short protein forms S1765L, S1667L, S1764L.
Identifiers: ClinVar variation 577180 (VCV000577180.42), dbSNP rs369137515, ClinGen allele CA2319702.